The following is an entry in ClinVar:

NM_138701.4(MPLKIP):c.92dup (p.Gly33fs)

Gene: MPLKIP (M-phase specific PLK1 interacting protein; minus strand). Cytogenetic location: 7p14.1.
Variant type: Duplication.
Coding change: c.92dup on transcript NM_138701.4 (MANE Select); coding-DNA position 92, one base duplicated (C; older notation c.92dupC).
Protein change: p.Gly33fs; shifts the reading frame from glycine 33.
Molecular consequence: frameshift variant.
Genome position (GRCh38, 1-based): chr7:40,134,476, G duplicated on the plus strand (C on the coding strand, the reverse complement: MPLKIP is on the minus strand); the first of 4 consecutive G bases (chr7:40,134,476-40,134,479); duplicating any one gives the same sequence. VCF-style (leftmost placement, unchanged base first): chr7-40134475-C-CG. GRCh37 (hg19) VCF-style: chr7-40174074-C-CG.
Other names: short protein forms G33fs.
Identifiers: ClinVar variation 4989492 (VCV004989492.1).

ClinVar aggregate classification (germline): Likely pathogenic (1 of 4 stars; one submission).

Conditions:
MPLKIP-related disorder. Also called: MPLKIP-related condition.

Submission:

PreventionGenetics, part of Exact Sciences
Classification: Likely pathogenic for MPLKIP-related condition. Last evaluated: 2025-10-12. Review status: criteria provided, single submitter. Criteria: ACMG Guidelines, 2015. Collection method: clinical testing. Allele origin: germline.
Comment: The MPLKIP c.92dupC variant is predicted to result in a frameshift and premature protein termination (p.Gly33Argfs*27). This variant has been reported in the homozygous state an individual with trichothiodystrophy nonphotosensitive 1 (TTDN1) (referred to as rs747470385, Zhou et al. 2018. PubMed ID: 30598092). This variant has not been reported in a large population database (gnomAD), indicating this variant is rare. Frameshift variants in MPLKIP are expected to be pathogenic. This variant is interpreted as likely pathogenic.